The following is an entry in ClinVar:

NM_020822.3(KCNT1):c.1102G>T (p.Ala368Ser)

Gene: KCNT1 (potassium sodium-activated channel subfamily T member 1; plus strand). Cytogenetic location: 9q34.3.
Variant type: single nucleotide variant.
Coding change: c.1102G>T on transcript NM_020822.3 (MANE Select); coding-DNA position 1102, G replaced by T.
Protein change: p.Ala368Ser; replaces alanine 368 with serine.
Molecular consequence: missense variant.
Genome position (GRCh38, 1-based): chr9:135,765,097, G>T. VCF-style: chr9-135765097-G-T. GRCh37 (hg19) VCF-style: chr9-138656943-G-T.
Other names: c.967G>T, p.Ala323Ser (NM_001272003.2); short protein forms A368S, A323S.
Identifiers: ClinVar variation 2286067 (VCV002286067.5), dbSNP rs565492968, ClinGen allele CA201465156.

ClinVar aggregate classification (germline): Uncertain significance. Review status: criteria provided, multiple submitters, no conflicts (2 of 4 stars). 2 submissions from 2 submitters: Uncertain significance (2). Last evaluated 2023-09-20.

Conditions:
Autosomal dominant nocturnal frontal lobe epilepsy 5. Also called: CILIARY DYSKINESIA, PRIMARY, 28, WITHOUT SITUS INVERSUS; CILIARY DYSKINESIA, PRIMARY, 28, WITH SITUS INVERSUS; Epilepsy, nocturnal frontal lobe, 5; KCNT1-Related Epilepsy. Identifiers: Orphanet 98784, MedGen C3554306, MONDO:0014002, OMIM 615005.
Developmental and epileptic encephalopathy, 14 (DEE14). Also called: Early infantile epileptic encephalopathy 14. Identifiers: Orphanet 293181, MedGen C3554195, MONDO:0013989, OMIM 614959.
Inborn genetic diseases. Identifiers: MedGen C0950123, MeSH D030342.

Allele frequency attached by ClinVar (database versions not stated): gnomAD 0.00001; gnomAD exomes 0.00002; 1000 Genomes Project 30x 0.00016; 1000 Genomes Project 0.00020.
gnomAD v4.1: 23 of 1,613,504 alleles (0.0014%); highest among the groups gnomAD compares: Non-Finnish European, 0.0019%; no homozygotes.

Submissions (2):

Labcorp Genetics (formerly Invitae), Labcorp
Classification: Uncertain significance for Autosomal dominant nocturnal frontal lobe epilepsy 5; Developmental and epileptic encephalopathy, 14. Last evaluated: 2023-09-20. Review status: criteria provided, single submitter. Criteria: Invitae Variant Classification Sherloc (09022015). Collection method: clinical testing. Allele origin: germline.
Comment: This sequence change replaces alanine, which is neutral and non-polar, with serine, which is neutral and polar, at codon 368 of the KCNT1 protein (p.Ala368Ser). This variant is not present in population databases (gnomAD no frequency). This variant has not been reported in the literature in individuals affected with KCNT1-related conditions. ClinVar contains an entry for this variant (Variation ID: 2286067). Advanced modeling of protein sequence and biophysical properties (such as structural, functional, and spatial information, amino acid conservation, physicochemical variation, residue mobility, and thermodynamic stability) performed at Invitae indicates that this missense variant is not expected to disrupt KCNT1 protein function. In summary, the available evidence is currently insufficient to determine the role of this variant in disease. Therefore, it has been classified as a Variant of Uncertain Significance.

Ambry Genetics
Classification: Uncertain significance for Inborn genetic diseases. Last evaluated: 2022-04-25. Review status: criteria provided, single submitter. Criteria: Ambry Variant Classification Scheme 2023. Collection method: clinical testing. Allele origin: germline.